The following is an entry in ClinVar:

NM_003482.4(KMT2D):c.3408G>A (p.Glu1136=)

Gene: KMT2D (lysine methyltransferase 2D; minus strand). Cytogenetic location: 12q13.12.
Variant type: single nucleotide variant.
Coding change: c.3408G>A on transcript NM_003482.4 (MANE Select); coding-DNA position 3408, G replaced by A.
Protein change: p.Glu1136=; no amino-acid change (glutamic acid 1136 retained).
Molecular consequence: synonymous variant.
Genome position (GRCh38, 1-based): chr12:49,050,180, C>T on the plus strand (G>A on the coding strand, the complement: KMT2D is on the minus strand). VCF-style: chr12-49050180-C-T. GRCh37 (hg19) VCF-style: chr12-49443963-C-T.
Identifiers: ClinVar variation 309070 (VCV000309070.22), dbSNP rs372234918, ClinGen allele CA6548053.

ClinVar aggregate classification (germline): Benign/Likely benign. Review status: criteria provided, multiple submitters, no conflicts (2 of 4 stars). 6 submissions from 6 submitters: Benign (3); Likely benign (2). 1 of the submissions does not count toward it. Last evaluated 2026-01-01.

Conditions:
KMT2D-related disorder. Also called: KMT2D-Related Disorders.
Kabuki syndrome. Also called: NIIKAWA-KUROKI SYNDROME; Kabuki make-up syndrome. Identifiers: Orphanet 2322, MedGen C0796004, MONDO:0016512.

Allele frequency attached by ClinVar (database versions not stated): 1000 Genomes Project 30x 0.00016; TOPMed 0.00044.
gnomAD v4.1: 430 of 1,613,822 alleles (0.027%); highest among the groups gnomAD compares: East Asian, 0.92%; 5 homozygotes.

Submissions (6):

CeGaT Center for Human Genetics Tuebingen
Classification: Likely benign. Last evaluated: 2026-01-01. Review status: criteria provided, single submitter. Criteria: CeGaT Center For Human Genetics Tuebingen Variant Classification Criteria Version 2. Collection method: clinical testing. Allele origin: germline. Affected: yes. Observed: 1 variant allele.
Comment: KMT2D: BP4, BP7

Labcorp Genetics (formerly Invitae), Labcorp
Classification: Benign for Kabuki syndrome. Last evaluated: 2025-12-08. Review status: criteria provided, single submitter. Criteria: Invitae Variant Classification Sherloc (09022015). Collection method: clinical testing. Allele origin: germline.

ARUP Laboratories, Molecular Genetics and Genomics, ARUP Laboratories
Classification: Benign. Last evaluated: 2024-11-23. Review status: criteria provided, single submitter. Criteria: ARUP Molecular Germline Variant Investigation Process 2024. Collection method: clinical testing. Allele origin: germline.

Blueprint Genetics
Classification: Likely benign. Last evaluated: 2024-09-16. Review status: criteria provided, single submitter. Criteria: ACMG Guidelines, 2015. Collection method: clinical testing. Allele origin: germline.

GeneDx
Classification: Benign. Last evaluated: 2019-11-13. Review status: criteria provided, single submitter. Criteria: GeneDx Variant Classification Process June 2021. Collection method: clinical testing. Allele origin: germline. Affected: yes.

PreventionGenetics, part of Exact Sciences
Classification: Benign for KMT2D-related condition. Last evaluated: 2019-09-10. Review status: no assertion criteria provided. Collection method: clinical testing. Allele origin: germline. Not counted in ClinVar's aggregate classification.
Comment: This variant is classified as benign based on ACMG/AMP sequence variant interpretation guidelines (Richards et al. 2015 PMID: 25741868, with internal and published modifications).